The following continues an entry in ClinVar:

NM_020975.6(RET):c.1998G>T (p.Lys666Asn)

Gene: RET. ClinVar aggregate classification (germline): Pathogenic/Likely pathogenic. Pathogenic (15); Likely pathogenic (8).

Submissions 12 to 22 of 23:

Clinical Genomics Laboratory, Washington University in St. Louis
Classification: Likely pathogenic for Familial medullary thyroid carcinoma; Pheochromocytoma. Last evaluated: 2023-08-15. Review status: criteria provided, single submitter. Criteria: ACMG Guidelines, 2015. Collection method: clinical testing. Allele origin: germline.
Comment: The RET c.1998G>T (p.Lys666Asn) variant is reported in the literature in individuals and families affected with medullary thyroid carcinoma and pheochromocytoma as a low penetrance variant (Jaber T et al., PMID: 29408964; Lebeault M et al., PMID: 28946813; Muzza M et al., PMID: 20103606; Xu JY et al., PMID: 27673361). This variant has been reported in the ClinVar database as a germline pathogenic or likely pathogenic variant by 14 submitters. This variant is only observed on 7/282,120 alleles in the general population (gnomAD v.2.1.1), indicating it is not a common variant. Additionally, other amino acid substitutions at this codon (Arg, Asn, Glu, Met) have been reported in individuals with RET-related disorders and are considered pathogenic or likely pathogenic (Ahmed SA et al., PMID: 15858153., Borrello MG et al., PMID: 21690267; Lebeault M et al., PMID: 28946813, Mastroianno S et al., PMID: 21678021; Wells SA Jr et al., PMID: 25810047; Yamazaki M et al., PMID: 25319874). Computational predictors are uncertain as to the impact of this variant on RET function, but functional analyses of the p.Lys666Asn variant protein show increased kinase and transforming activity (Muzza M et al., PMID: 20103606). Based on available information and the ACMG/AMP guidelines for variant interpretation (Richards S et al., PMID: 25741868), this variant is classified as likely pathogenic with low penetrance.

Baylor Genetics
Classification: Pathogenic for Hirschsprung disease, susceptibility to, 1. Last evaluated: 2023-06-09. Review status: criteria provided, single submitter. Criteria: ACMG Guidelines, 2015. Collection method: clinical testing. Allele origin: unknown.

Quest Diagnostics Nichols Institute San Juan Capistrano
Classification: Pathogenic. Last evaluated: 2022-08-26. Review status: criteria provided, single submitter. Criteria: Quest Diagnostics criteria. Collection method: clinical testing. Allele origin: unknown.
Comment: The variant has been reported as having low penetrance in multiple families affected with MTC, C-cell hyperplasia, or elevated calcitonin (PMIDs: 20103606 (2010), 27673361 (2016), and 28946813 (2017)). A family showing co-segregation included a homozygous MTC patient also affected with bilateral pheochromocytoma, which the authors described as a gene dosage effect (PMID: 29408964 (2018)). An individual presenting with pheochromocytoma and classic features of Cowden syndrome was also identified as a carrier of this variant (PMID: 29684080 (2018)). Additionally, functional studies have observed oncogenic effects resulting from this variant (PMID: 20103606 (2010)). Based on the available information, this variant is classified as pathogenic.

Women's Health and Genetics/Laboratory Corporation of America, LabCorp
Classification: Pathogenic for Multiple endocrine neoplasia, type 2. Last evaluated: 2022-08-22. Review status: criteria provided, single submitter. Criteria: LabCorp Variant Classification Summary - May 2015. Collection method: clinical testing. Allele origin: germline.
Comment: Variant summary: RET c.1998G>T (p.Lys666Asn) results in a non-conservative amino acid change in the encoded protein sequence. Four of five in-silico tools predict a damaging effect of the variant on protein function. The variant allele was found at a frequency of 2.4e-05 in 251210 control chromosomes. c.1998G>T has been reported in the literature as a variant with low penetrance in multiple individuals affected with Familial Medullary Thyroid Carcinoma (example, Muzza_2010, Xu_2016, Jaber_2018) and as a homozygous variant in at-least one individual who presented with features of MTC and bilateral pheochromocytoma (PHEO) (example. Jaber_2018). These data indicate that the variant is very likely to be associated with disease. It has also been reported among variants with moderate risk in the revised American Thyroid Association guidelines for the management of Medullary Thyroid Carcinoma (Wells_2015). At least one publication reports experimental evidence evaluating an impact on protein function (Muzza_2010). The most pronounced variant effect results in a 13-fold increased rate of phosphorylation compared to WT-RET consistent with a gain of function mechanism of disease. Nine clinical diagnostic laboratories have submitted clinical-significance assessments for this variant to ClinVar after 2014 without evidence for independent evaluation. All laboratories classified the variant as pathogenic/likely pathogenic. Based on the evidence outlined above, the variant was classified as pathogenic.

Blueprint Genetics
Classification: Pathogenic for RET-related disorders. Last evaluated: 2022-07-04. Review status: criteria provided, single submitter. Criteria: ACMG Guidelines, 2015. Collection method: clinical testing. Allele origin: germline. Affected: yes. Observed: 2 variant alleles.

HudsonAlpha Institute for Biotechnology
Classification: Pathogenic for Multiple endocrine neoplasia type 2A. Last evaluated: 2021-06-24. Review status: criteria provided, single submitter. Criteria: ACMG Guidelines, 2015. Collection method: research. Allele origin: maternal, unknown. Affected: yes. Observed: 2 variant alleles. Study: HudsonAlpha-AGHI-WGS.
Comment: ACMG codes:PS3, PS4M, PM1, PP2, PP3, PP5

Laboratory for Molecular Medicine, Mass General Brigham Personalized Medicine
Classification: Pathogenic for Multiple endocrine neoplasia, type 2. Last evaluated: 2020-05-12. Review status: criteria provided, single submitter. Criteria: LMM Criteria. Collection method: clinical testing. Allele origin: germline. Inheritance: Autosomal dominant inheritance. Observed: 2 variant alleles.
Comment: The p.Ly666Asn variant in RET has been reported in the heterozygous state in at least 10 individuals with MEN2-associated cancers, in the homozygous state in 1 individual with medullary thyroid cancer and bilateral pheochromocytoma and segregated with disease in 2 affected relatives from 2 families (Muzza 2010 PMID:20103606, Boichard 2012 PMID:22865907, Xu 2016 PMID:27673361, Jaber 2018 PMID:29408964, Lebault 2017 PMID:28946813). However, several other family members carried this variant but did not show evidence of disease, suggesting that this may be a low penetrance allele. This variant has also been reported by other clinical laboratories in ClinVar (Variation ID 24932) and has been identified in 0.005% (7/129112) European chromosomes by (gnomAD). In vitro functional studies support an impact on protein function (Muzza 2010 PMID:20103606) and computational prediction tools and conservational analyses are consistent with pathogenicity. In addition, another likely pathogenic variant involving this codon (p.Lys666Glu) has been reported in individuals with MEN2-associated cancers and has been classified by the American Thyroid Association as imparting a moderate risk to developing aggressive medullary thyroid carcinoma (Wells 2015 PMID 25810047). In summary, this variant meets criteria to be classified as pathogenic for autosomal dominant multiple endocrine neoplasia type 2 (MEN2A), with reduced penetrance. ACMG criteria applied: PS4, PM2, PS3_Supporting, PM5_Supporting, PP1, PP3.

HudsonAlpha Institute for Biotechnology
Classification: Likely pathogenic for Familial medullary thyroid carcinoma. Last evaluated: 2019-10-31. Review status: criteria provided, single submitter. Criteria: ACMG Guidelines, 2015. Collection method: research. Allele origin: unknown. Observed: 1 variant allele. Study: AGHI GT.

Human Genome Sequencing Center Clinical Lab, Baylor College of Medicine
Classification: Likely pathogenic for multiple endocrine neoplasia type 2. Last evaluated: 2018-06-28. Review status: criteria provided, single submitter. Criteria: ACMG Guidelines, 2015. Collection method: clinical testing. Allele origin: unknown.
Comment: The c.1998G>T (p.Lys666Asn) variant in the RET gene is located on the exon 11 and is predicted to replace lysine with asparagine at codon 666 of the receptor tyrosine kinase RET. This variant has been reported in multiple families with familial medullary thyroid carcinoma (MTC) with incomplete penetrance (PMID: 20369307, 17895320, 25440022). Functional analysis of this variant showed increased kinase and transforming activities in transfected HEK293 cells (PMID: 20103606). An alternative nucleotide change resulting in the same amino acid change, c.1998G>C (p.Lys666Asn), has been classified as pathogenic/likely pathogenic (ClinVar ID: 230926). A distinct variant affecting the same codon, c.1996A>G (p.Lys666Glu), has also been reported to be pathogenic/likely pathogenic (ClinVar ID: 24931). This variant has been observed (7/282120) in the general population according to gnomAD. Based on these evidence, the c.1998G>T (p.Lys666Asn) variant in the RET gene is classified as likely pathogenic.

Human Genome Sequencing Center Clinical Lab, Baylor College of Medicine
Classification: Likely pathogenic for Multiple endocrine neoplasia type 2A. Last evaluated: 2018-04-25. Review status: criteria provided, single submitter. Criteria: ACMG Guidelines, 2015. Collection method: clinical testing. Allele origin: germline.
Comment: This c.1998G>G (p.Lys666Asn) variant in the RET gene has been reported in eight families with familial medullary thyroid carcinoma [PMID: 27673361]. This variant has also been reported in multiple clinical testing centers as disease-causing according to ClinVar while observed as extremely low in general population according to gnomad database. Functional studies showed this variant displays high kinase and transforming activities [PMID: 20103606]. Multiple in silico predictions suggest this lysine to asparagine is deleterious. Multiple disease-causing or risk associated variants have been reported to cause lysine at amino acid position 666 change to other amino acids in literatures[PMID: 15858153, 25319874, 25810047] and/or in ClinVar database. Based upon above evidences, c.1998G>G (p.Lys666Asn) variant in the RET gene is classified as likely pathogenic.

Eurofins Ntd Llc (ga)
Classification: Pathogenic. Last evaluated: 2013-04-23. Review status: criteria provided, single submitter. Criteria: EGL Classification Definitions. Collection method: clinical testing. Allele origin: germline. Observed: 1 variant allele, 1 heterozygote.